The following is an entry in ClinVar:

NM_001384125.1(BLTP1):c.6955G>A (p.Val2319Met)

Gene: BLTP1 (bridge-like lipid transfer protein family member 1; plus strand). Cytogenetic location: 4q27.
Variant type: single nucleotide variant.
Coding change: c.6955G>A on transcript NM_001384125.1 (MANE Select); coding-DNA position 6955, G replaced by A.
Protein change: p.Val2319Met; replaces valine 2319 with methionine.
Molecular consequence: missense variant.
Genome position (GRCh38, 1-based): chr4:122,262,956, G>A. VCF-style: chr4-122262956-G-A. GRCh37 (hg19) VCF-style: chr4-123184111-G-A.
Other names: c.6955G>A, p.Val2319Met (NM_015312.4); short protein forms V2319M.
Identifiers: ClinVar variation 4281499 (VCV004281499.7).
Genomic context (GRCh38, chr4:122,262,956, plus strand): 5'-GGAAGCTTCCCAAGCCTGCACAACCTCCTGGAAGGTACTCCTCAGAGAAGCAGTGCTGCT[G>A]TGAAAAGTAGCTCCCTAACGAGAACAGGTACGTCCTCTAGATTTGATAATTACATGTTTA-3'
Protein context (NP_001371054.1, residues 2309-2329): EGTPQRSSAA[Val2319Met]KSSSLTRTGN

ClinVar aggregate classification (germline): Uncertain significance (1 of 4 stars; one submission).

gnomAD v4.1: 10 of 1,613,888 alleles (0.00062%); highest among the groups gnomAD compares: African/African-American, 0.0067%; no homozygotes.

Submission:

CeGaT Center for Human Genetics Tuebingen
Classification: Uncertain significance. Last evaluated: 2025-09-01. Review status: criteria provided, single submitter. Criteria: CeGaT Center For Human Genetics Tuebingen Variant Classification Criteria Version 2. Collection method: clinical testing. Allele origin: germline. Affected: yes. Observed: 1 variant allele.
Comment: BLTP1: PM2